The following is an entry in ClinVar:

NM_020433.5(JPH2):c.1814A>G (p.Gln605Arg)

Gene: JPH2 (junctophilin 2; minus strand). Cytogenetic location: 20q13.12.
Variant type: single nucleotide variant.
Coding change: c.1814A>G on transcript NM_020433.5 (MANE Select); coding-DNA position 1814, A replaced by G.
Protein change: p.Gln605Arg; replaces glutamine 605 with arginine.
Molecular consequence: missense variant.
Genome position (GRCh38, 1-based): chr20:44,115,861, T>C on the plus strand (A>G on the coding strand, the complement: JPH2 is on the minus strand). VCF-style: chr20-44115861-T-C. GRCh37 (hg19) VCF-style: chr20-42744501-T-C.
Other names: c.1814A>G (NM_020433.4); short protein forms Q605R.
Identifiers: ClinVar variation 1382144 (VCV001382144.7), dbSNP rs2145838201, ClinGen allele CA409099879.
Genomic context (GRCh38, chr20:44,115,861, plus strand): 5'-TTGGGCTCCAGCTTGGCGGGGGTCTCGCGTGCAGGCTCGGGGCCTCGGAGCGTGGGGGCC[T>C]GCAGCGGGGCGGTGGCCGGGGACGAGGGCGCGGACTCGGACCCGGAGACCTCGGGCTCGG-3'
Protein context (NP_065166.2, residues 595-615): APSSPATAPL[Gln605Arg]APTLRGPEPA

ClinVar aggregate classification (germline): Uncertain significance. Review status: criteria provided, multiple submitters, no conflicts (2 of 4 stars). 2 submissions from 2 submitters: Uncertain significance (2). Last evaluated 2023-12-21.

Conditions:
Hypertrophic cardiomyopathy. Also called: HYPERTROPHIC MYOCARDIOPATHY. Identifiers: Orphanet 217569, MedGen C0007194, MeSH D002312, MONDO:0005045, HP:0001639.

Submissions (2):

GeneDx
Classification: Uncertain significance. Last evaluated: 2023-12-21. Review status: criteria provided, single submitter. Criteria: GeneDx Variant Classification Process June 2021. Collection method: clinical testing. Allele origin: germline. Affected: yes.
Comment: Has not been previously published as pathogenic or benign to our knowledge; Not observed at significant frequency in large population cohorts (gnomAD); In silico analysis supports that this missense variant does not alter protein structure/function

Labcorp Genetics (formerly Invitae), Labcorp
Classification: Uncertain significance for Hypertrophic cardiomyopathy. Last evaluated: 2021-09-19. Review status: criteria provided, single submitter. Criteria: Invitae Variant Classification Sherloc (09022015). Collection method: clinical testing. Allele origin: germline.
Comment: This variant is not present in population databases (ExAC no frequency). This variant has not been reported in the literature in individuals affected with JPH2-related conditions. Algorithms developed to predict the effect of missense changes on protein structure and function (SIFT, PolyPhen-2, Align-GVGD) all suggest that this variant is likely to be tolerated. In summary, the available evidence is currently insufficient to determine the role of this variant in disease. Therefore, it has been classified as a Variant of Uncertain Significance. This sequence change replaces glutamine with arginine at codon 605 of the JPH2 protein (p.Gln605Arg). The glutamine residue is weakly conserved and there is a small physicochemical difference between glutamine and arginine.